The following is an entry in ClinVar:

ClinVar aggregate classification (germline): Uncertain significance (1 of 4 stars; one submission).

Conditions:
Aortic aneurysm, familial thoracic 6 (AAT6). Also called: FAMILIAL THORACIC AORTIC ANEURYSM WITH LIVEDO RETICULARIS AND IRIS FLOCCULI. Identifiers: MedGen C2673186, MONDO:0012730, OMIM 611788.

Submission:

Labcorp Genetics (formerly Invitae), Labcorp
Classification: Uncertain significance for Aortic aneurysm, familial thoracic 6. Last evaluated: 2022-10-19. Review status: criteria provided, single submitter. Criteria: Invitae Variant Classification Sherloc (09022015). Collection method: clinical testing. Allele origin: germline.
Comment: This sequence change replaces glutamic acid, which is acidic and polar, with glutamine, which is neutral and polar, at codon 127 of the ACTA2 protein (p.Glu127Gln). This variant is not present in population databases (gnomAD no frequency). This variant has not been reported in the literature in individuals affected with ACTA2-related conditions. Advanced modeling of protein sequence and biophysical properties (such as structural, functional, and spatial information, amino acid conservation, physicochemical variation, residue mobility, and thermodynamic stability) performed at Invitae indicates that this missense variant is expected to disrupt ACTA2 protein function. In summary, the available evidence is currently insufficient to determine the role of this variant in disease. Therefore, it has been classified as a Variant of Uncertain Significance.

NM_001613.4(ACTA2):c.379G>C (p.Glu127Gln)

Gene: ACTA2 (actin alpha 2, smooth muscle; minus strand). Cytogenetic location: 10q23.31.
Variant type: single nucleotide variant.
Coding change: c.379G>C on transcript NM_001613.4 (MANE Select); coding-DNA position 379, G replaced by C.
Protein change: p.Glu127Gln; replaces glutamic acid 127 with glutamine.
Molecular consequence: missense variant.
Genome position (GRCh38, 1-based): chr10:88,941,860, C>G on the plus strand (G>C on the coding strand, the complement: ACTA2 is on the minus strand). VCF-style: chr10-88941860-C-G. GRCh37 (hg19) VCF-style: chr10-90701617-C-G.
Other names: c.379G>C, p.Glu127Gln (NM_001141945.3, NM_001320855.2, NM_001406462.1 and 3 more transcripts); c.268G>C, p.Glu90Gln (NM_001406466.1); c.250G>C, p.Glu84Gln (NM_001406467.1, NM_001406468.1, NM_001406469.1); short protein forms E127Q, E84Q, E90Q.
Identifiers: ClinVar variation 1721845 (VCV001721845.6), dbSNP rs2494542984, ClinGen allele CA377512558.
Genomic context (GRCh38, chr10:88,941,860, plus strand): 5'-AGGCATAGAGAGACAGCACCGCCTGGATAGCCACATACATGGCTGGGACATTGAAAGTCT[C>G]AAACATAATCTGCAAAGCAATCCAAAGAGCTGAGTTAGTGAAGGTGCCCATCTGACAAAG-3'
Protein context (NP_001604.1, residues 117-137): NREKMTQIMF[Glu127Gln]TFNVPAMYVA